The following is an entry in ClinVar:

ClinVar aggregate classification (germline): Likely pathogenic (1 of 4 stars; one submission).

Submission:

Labcorp Genetics (formerly Invitae), Labcorp
Classification: Likely pathogenic. Last evaluated: 2023-03-30. Review status: criteria provided, single submitter. Criteria: Invitae Variant Classification Sherloc (09022015). Collection method: clinical testing. Allele origin: germline.
Comment: In summary, the currently available evidence indicates that the variant is pathogenic, but additional data are needed to prove that conclusively. Therefore, this variant has been classified as Likely Pathogenic. Algorithms developed to predict the effect of sequence changes on RNA splicing suggest that this variant may disrupt the consensus splice site. This variant has not been observed in the literature in individuals with autosomal recessive CLCN7-related conditions. This variant has been reported in individual(s) with autosomal dominant osteopetrosis (Invitae); however, the role of the variant in this condition is currently unclear. This variant is not present in population databases (gnomAD no frequency). This variant results in the deletion of part of exon 22 (c.2060_2073+8del) of the CLCN7 gene. It is expected to disrupt RNA splicing. Variants that disrupt the donor or acceptor splice site typically lead to a loss of protein function (PMID: 16199547), and loss-of-function variants in CLCN7 are known to be pathogenic (PMID: 14584882, 19953639).

Literature cited by the submitters: PubMed 16199547; PubMed 14584882; PubMed 19953639.

NM_001287.6(CLCN7):c.2060_2073+8del

Gene: CLCN7 (chloride voltage-gated channel 7; minus strand). Cytogenetic location: 16p13.3.
Variant type: Deletion.
Coding change: c.2060_2073+8del on transcript NM_001287.6 (MANE Select); coding-DNA position 2060 through 8 bases into the intron after coding-DNA position 2073, 22 bases deleted (TCCTAAAGCACAAGGTGCGTGC).
Molecular consequence: splice donor variant.
Genome position (GRCh38, 1-based): chr16:1,447,647-1,447,668, GCACGCACCTTGTGCTTTAGGA deleted on the plus strand (TCCTAAAGCACAAGGTGCGTGC on the coding strand, the reverse complement: CLCN7 is on the minus strand); deleting any 22 consecutive bases within chr16:1,447,647-1,447,669 gives the same sequence; the c. name uses the placement nearest the transcript's 3' end. VCF-style (leftmost placement, unchanged base first): chr16-1447646-GGCACGCACCTTGTGCTTTAGGA-G. GRCh37 (hg19) VCF-style: chr16-1497647-GGCACGCACCTTGTGCTTTAGGA-G.
Other names: c.1988_2001+8del (NM_001114331.3).
Identifiers: ClinVar variation 2834242 (VCV002834242.3), dbSNP rs2505813008, ClinGen allele CA2739269852.